The following is an entry in ClinVar:

NM_018975.4(TERF2IP):c.362G>A (p.Gly121Asp)

Gene: TERF2IP (TERF2 interacting protein; plus strand). Cytogenetic location: 16q23.1.
Variant type: single nucleotide variant.
Coding change: c.362G>A on transcript NM_018975.4 (MANE Select); coding-DNA position 362, G replaced by A.
Protein change: p.Gly121Asp; replaces glycine 121 with aspartic acid.
Molecular consequence: missense variant. On other transcripts: non-coding transcript variant (1).
Genome position (GRCh38, 1-based): chr16:75,648,244, G>A. VCF-style: chr16-75648244-G-A. GRCh37 (hg19) VCF-style: chr16-75682142-G-A.
Other names: short protein forms G121D.
Identifiers: ClinVar variation 2625586 (VCV002625586.2), dbSNP rs2507073812, ClinGen allele CA396817744.

ClinVar aggregate classification (germline): Uncertain significance (1 of 4 stars; one submission).

Submission:

Ambry Genetics
Classification: Uncertain significance. Last evaluated: 2023-06-24. Review status: criteria provided, single submitter. Criteria: Ambry Variant Classification Scheme 2023. Collection method: clinical testing. Allele origin: germline.
Comment: The p.G121D variant (also known as c.362G>A), located in coding exon 1 of the TERF2IP gene, results from a G to A substitution at nucleotide position 362. The glycine at codon 121 is replaced by aspartic acid, an amino acid with similar properties. This amino acid position is conserved. In addition, this alteration is predicted to be tolerated by in silico analysis. Since supporting evidence is limited at this time, the clinical significance of this alteration remains unclear.